The following is an entry in ClinVar:

ClinVar aggregate classification (germline): Conflicting classifications of pathogenicity. Review status: criteria provided, conflicting classifications (1 of 4 stars). 5 submissions from 5 submitters: Uncertain significance (4); Likely benign (1). Last evaluated 2025-12-20.

Conditions:
Hereditary cancer-predisposing syndrome. Also called: Tumor predisposition; Neoplastic Syndromes, Hereditary; Hereditary neoplastic syndrome; Hereditary Cancer Syndrome. Identifiers: Orphanet 140162, MedGen C0027672, MeSH D009386, MONDO:0015356.
Hereditary breast ovarian cancer syndrome. Also called: Hereditary breast and ovarian cancer; Hereditary breast and ovarian cancer syndrome (HBOC); Breast and ovarian cancer; Hereditary breast and ovarian cancer syndrome; BRCA1- and BRCA2-Associated Hereditary Breast and Ovarian Cancer; Hereditary breast and/or ovarian cancer syndrome. Identifiers: Orphanet 145, MedGen C0677776, MeSH D061325, MONDO:0003582. Disease mechanism: loss of function.

Allele frequency attached by ClinVar (database versions not stated): gnomAD exomes below 0.00001.
gnomAD v4.1: 4 of 1,584,562 alleles (0.00025%); highest among the groups gnomAD compares: South Asian, 0.0047%; no homozygotes.

Submissions (5):

Labcorp Genetics (formerly Invitae), Labcorp
Classification: Uncertain significance for Hereditary breast ovarian cancer syndrome. Last evaluated: 2025-12-20. Review status: criteria provided, single submitter. Criteria: Invitae Variant Classification Sherloc (09022015). Collection method: clinical testing. Allele origin: germline.
Comment: This sequence change replaces threonine, which is neutral and polar, with proline, which is neutral and non-polar, at codon 868 of the BRCA2 protein (p.Thr868Pro). This variant is present in population databases (no rsID available, gnomAD 0.004%). This variant has not been reported in the literature in individuals affected with BRCA2-related conditions. ClinVar contains an entry for this variant (Variation ID: 630884). Invitae Evidence Modeling of protein sequence and biophysical properties (such as structural, functional, and spatial information, amino acid conservation, physicochemical variation, residue mobility, and thermodynamic stability) indicates that this missense variant is not expected to disrupt BRCA2 protein function with a negative predictive value of 95%. In summary, the available evidence is currently insufficient to determine the role of this variant in disease. Therefore, it has been classified as a Variant of Uncertain Significance.

GeneDx
Classification: Uncertain significance. Last evaluated: 2025-07-23. Review status: criteria provided, single submitter. Criteria: GeneDx Variant Classification Process June 2021. Collection method: clinical testing. Allele origin: germline. Affected: yes.
Comment: Not observed at significant frequency in large population cohorts (gnomAD); In silico analysis supports that this missense variant has a deleterious effect on protein structure/function; Has not been previously published as pathogenic or benign to our knowledge; Also known as 2830A>C

University of Washington Department of Laboratory Medicine, University of Washington
Classification: Likely benign for Hereditary cancer-predisposing syndrome. Last evaluated: 2023-03-23. Review status: criteria provided, single submitter. Criteria: Dines et al. (Genet Med. 2020). Collection method: curation. Allele origin: germline.
Comment: Missense variant in a coldspot region where missense variants are very unlikely to be pathogenic (PMID:31911673).

BRCA2 exon 11 coldspot. Reclassification based on statistical prior probability.

Ambry Genetics
Classification: Uncertain significance for Hereditary cancer-predisposing syndrome. Last evaluated: 2023-03-02. Review status: criteria provided, single submitter. Criteria: Ambry Variant Classification Scheme 2023. Collection method: clinical testing. Allele origin: germline.
Comment: The p.T868P variant (also known as c.2602A>C), located in coding exon 10 of the BRCA2 gene, results from an A to C substitution at nucleotide position 2602. The threonine at codon 868 is replaced by proline, an amino acid with highly similar properties. This amino acid position is poorly conserved in available vertebrate species. In addition, this alteration is predicted to be tolerated by in silico analysis. Since supporting evidence is limited at this time, the clinical significance of this alteration remains unclear.

Color Diagnostics, LLC DBA Color Health
Classification: Uncertain significance for Hereditary cancer-predisposing syndrome. Last evaluated: 2019-06-05. Review status: criteria provided, single submitter. Criteria: ACMG Guidelines, 2015. Collection method: clinical testing. Allele origin: germline.

NM_000059.4(BRCA2):c.2602A>C (p.Thr868Pro)

Gene: BRCA2 (BRCA2 DNA repair associated; plus strand). Cytogenetic location: 13q13.1.
Variant type: single nucleotide variant.
Coding change: c.2602A>C on transcript NM_000059.4 (MANE Select); coding-DNA position 2602, A replaced by C.
Protein change: p.Thr868Pro; replaces threonine 868 with proline.
Molecular consequence: missense variant.
Genome position (GRCh38, 1-based): chr13:32,336,957, A>C. VCF-style: chr13-32336957-A-C. GRCh37 (hg19) VCF-style: chr13-32911094-A-C.
Other names: short protein forms T868P.
Identifiers: ClinVar variation 630884 (VCV000630884.19), dbSNP rs1368861313, ClinGen allele CA387772631.